The following is an entry in ClinVar:

NM_020975.6(RET):c.1947G>A (p.Ser649=)

Gene: RET (ret proto-oncogene; plus strand). Cytogenetic location: 10q11.21.
Variant type: single nucleotide variant.
Coding change: c.1947G>A on transcript NM_020975.6 (MANE Select); coding-DNA position 1947, G replaced by A.
Protein change: p.Ser649=; no amino-acid change (serine 649 retained).
Molecular consequence: synonymous variant. On other transcripts: intron variant (4).
Genome position (GRCh38, 1-based): chr10:43,114,547, G>A. VCF-style: chr10-43114547-G-A. GRCh37 (hg19) VCF-style: chr10-43609995-G-A.
Other names: c.1947G>A, p.Ser649= (NM_000323.2, NM_001406743.1, NM_001406744.1 and 4 more transcripts); c.1185G>A, p.Ser395= (NM_001355216.2); c.1818G>A, p.Ser606= (NM_001406761.1, NM_001406762.1, NM_001406764.1); c.1659G>A, p.Ser553= (NM_001406766.1, NM_001406767.1, NM_001406770.1); c.1551G>A, p.Ser517= (NM_001406769.1, NM_001406772.1); c.1509G>A, p.Ser503= (NM_001406771.1, NM_001406773.1); c.1422G>A, p.Ser474= (NM_001406774.1); c.1221G>A, p.Ser407= (NM_001406775.1, NM_001406776.1, NM_001406777.1 and 1 more transcripts); and 10 more.
Identifiers: ClinVar variation 24929 (VCV000024929.22), dbSNP rs377767412, ClinGen allele CA008487.
Genomic context (GRCh38, chr10:43,114,547, plus strand): 5'-GTGCGACGAGCTGTGCCGCACGGTGATCGCAGCCGCTGTCCTCTTCTCCTTCATCGTCTC[G>A]GTGCTGCTGTCTGCCTTCTGCATCCACTGCTACCACAAGTTTGCCCACAAGCCACCCATC-3'
Protein context (NP_066124.1, residues 639-659): AAAVLFSFIV[Ser649=]VLLSAFCIHC

ClinVar aggregate classification (germline): Pathogenic/Likely pathogenic. Review status: criteria provided, multiple submitters, no conflicts (2 of 4 stars). 7 submissions from 7 submitters: Pathogenic (3); Likely pathogenic (4). Last evaluated 2025-05-07.

Conditions:
RET-related disorder. Also called: RET-related condition; RET-related disease; RET-related disorders.
Hereditary cancer-predisposing syndrome. Also called: Neoplastic Syndromes, Hereditary; Tumor predisposition; Hereditary neoplastic syndrome; Hereditary Cancer Syndrome. Identifiers: Orphanet 140162, MedGen C0027672, MeSH D009386, MONDO:0015356.
Multiple endocrine neoplasia type 2A. Also called: MULTIPLE ENDOCRINE NEOPLASIA, TYPE IIA; PTC SYNDROME; SIPPLE SYNDROME; MEN 2A; MEN-2A syndrome; Pheochromocytoma and amyloid producing medullary thyroid carcinoma. Identifiers: Orphanet 247698, Orphanet 653, MedGen C0025268, MeSH D018813, MONDO:0008234, OMIM 171400.
Pheochromocytoma. Also called: MAX-Related Hereditary Paraganglioma-Pheochromocytoma Syndrome. Identifiers: Orphanet 29072, MedGen C0031511, MONDO:0008233, OMIM 171300, HP:0002666.
Familial medullary thyroid carcinoma (MTC). Also called: Thyroid cancer, familial medullary; MTC, familial; Familial Medullary Thyroid Carcinoma (FMTC). Identifiers: Orphanet 653, Orphanet 99361, MedGen C1833921, MONDO:0007958, OMIM 155240.
Multiple endocrine neoplasia type 2B. Also called: MEN 2B; Multiple endocrine neoplasia, type 3; MULTIPLE ENDOCRINE NEOPLASIA, TYPE IIB; MUCOSAL NEUROMA SYNDROME; NEUROMATA, MUCOSAL, WITH ENDOCRINE TUMORS; WAGENMANN-FROBOESE SYNDROME. Identifiers: Orphanet 247709, Orphanet 653, MedGen C0025269, MeSH D018814, MONDO:0008082, OMIM 162300.
Hirschsprung disease, susceptibility to, 1 (HSCR1). Also called: RET-Related Hirschsprung Disease. Identifiers: Orphanet 388, MedGen C3888239, MONDO:0007723, OMIM 142623.
Congenital central hypoventilation. Also called: Congenital Central Hypoventilation Syndrome. Identifiers: Orphanet 661, Orphanet 99803, MedGen C1275808, MONDO:0800031. Disease mechanism: gain of function.
Multiple endocrine neoplasia, type 2 (MEN2). Identifiers: Orphanet 653, MedGen C4048306, MONDO:0019003. Disease mechanism: gain of function.

Allele frequency attached by ClinVar (database versions not stated): gnomAD exomes below 0.00001.
gnomAD v4.1: 2 of 1,610,770 alleles (0.00012%); highest among the groups gnomAD compares: Non-Finnish European, 0.00017%; no homozygotes.

Submissions (7):

Labcorp Genetics (formerly Invitae), Labcorp
Classification: Likely pathogenic for Multiple endocrine neoplasia, type 2. Last evaluated: 2025-05-07. Review status: criteria provided, single submitter. Criteria: Invitae Variant Classification Sherloc (09022015). Collection method: clinical testing. Allele origin: germline.
Comment: This sequence change affects codon 649 of the RET mRNA. It is a 'silent' change, meaning that it does not change the encoded amino acid sequence of the RET protein. This variant is not present in population databases (gnomAD no frequency). This variant has been observed in individual(s) with Hirschsprung disease (PMID: 10618407, 21712996). It has also been observed to segregate with disease in related individuals. ClinVar contains an entry for this variant (Variation ID: 24929). Algorithms developed to predict the effect of sequence changes on RNA splicing suggest that this variant is not likely to affect RNA splicing. In summary, the currently available evidence indicates that the variant is pathogenic, but additional data are needed to prove that conclusively. Therefore, this variant has been classified as Likely Pathogenic.

GeneDx
Classification: Pathogenic. Last evaluated: 2025-01-21. Review status: criteria provided, single submitter. Criteria: GeneDx Variant Classification Process June 2021. Collection method: clinical testing. Allele origin: germline. Affected: yes.
Comment: RNA studies demonstrate a damaging effect: a partial splice defect leading to an in-frame loss of 23 residues and a predicted hypomorphic allele (PMID: 10618407); Not observed at significant frequency in large population cohorts (gnomAD); This variant is associated with the following publications: (PMID: 16448984, 10090908, 11955539, 21712996, 8896569, 10618407, 36474027, 14633923)

Ambry Genetics
Classification: Likely pathogenic for Hereditary cancer-predisposing syndrome. Last evaluated: 2024-12-06. Review status: criteria provided, single submitter. Criteria: Ambry Variant Classification Scheme 2023. Collection method: clinical testing. Allele origin: germline.
Comment: The c.1947G>A variant (also known as p.S649S), located in coding exon 11 of the RET gene, results from a G to A substitution at nucleotide position 1947. This nucleotide substitution does not change the amino acid at codon 649. In silico splice site analysis predicts that this alteration may result in the creation or strengthening of a novel splice acceptor site. This alteration has been reported in multiple families diagnosed with Hirschsprung disease (Salomon R et al. Nat Genet, 1996 Nov;14:345-7; Auricchio A et al. Am J Hum Genet, 1999 Apr;64:1216-21; Bolk S et al. Proc Natl Acad Sci U S A, 2000 Jan;97:268-73). Bolk et al. performed RT-PCR analysis on RNA from a lymphoblastoid line demonstrating that the alteration creates a novel splice acceptor site within RET and partial novel splice site usage results in the deletion of first 23 amino acids of exon 11. Authors concluded that based on partial usage of the novel splice acceptor site, the S649S mutation is a hypomorphic allele (Bolk S et al. Proc Natl Acad Sci U S A, 2000 Jan;97:268-73). Based on the supporting evidence, this alteration is likely pathogenic for Hirschsprung disease; however, the association of this alteration with MEN2 is unknown.

Daryl Scott Lab, Baylor College of Medicine
Classification: Likely pathogenic for Hirschsprung disease, susceptibility to, 1. Last evaluated: 2022-02-01. Review status: criteria provided, single submitter. Criteria: ACMG Guidelines, 2015. Collection method: clinical testing. Allele origin: maternal. Affected: yes. Observed: 1 variant allele.

HudsonAlpha Institute for Biotechnology
Classification: Pathogenic for Hirschsprung disease, susceptibility to, 1. Last evaluated: 2021-03-10. Review status: criteria provided, single submitter. Criteria: ACMG Guidelines, 2015. Collection method: research. Allele origin: inherited. Affected: yes. Observed: 1 variant allele. Study: CSER-SouthSeq.
Comment: ACMG codes:PS4, PS3, PM2, PP5

Blueprint Genetics
Classification: Pathogenic for RET-related disorders. Last evaluated: 2021-02-22. Review status: criteria provided, single submitter. Criteria: ACMG Guidelines, 2015. Collection method: clinical testing. Allele origin: germline. Affected: yes. Observed: 1 variant allele.

Fulgent Genetics
Classification: Likely pathogenic for Hirschsprung disease, susceptibility to, 1; Familial medullary thyroid carcinoma; Multiple endocrine neoplasia type 2B; Pheochromocytoma; Multiple endocrine neoplasia type 2A; Central hypoventilation syndrome, congenital, 1, with or without Hirschsprung disease. Last evaluated: 2018-10-31. Review status: criteria provided, single submitter. Criteria: ACMG Guidelines, 2015. Collection method: clinical testing. Allele origin: unknown.

Literature cited by the submitters: PubMed 10618407 (cited by Labcorp Genetics (formerly Invitae), Labcorp and Ambry Genetics); PubMed 21712996 (cited by Labcorp Genetics (formerly Invitae), Labcorp); PubMed 10090908 (cited by Ambry Genetics); PubMed 8896569 (cited by Ambry Genetics); PubMed 36474027 (cited by Daryl Scott Lab, Baylor College of Medicine).